The following is an entry in ClinVar:

ClinVar aggregate classification (germline): Uncertain significance (1 of 4 stars; one submission).

Submission:

Biesecker Lab/Clinical Genomics Section, National Institutes of Health
Classification: Uncertain significance. Last evaluated: 2013-06-24. Review status: criteria provided, single submitter. Criteria: Ng et al. (Circ Cardiovasc Genet. 2013). Collection method: research. Allele origin: unknown. Observed: 1 variant allele. Study: ClinSeq.
Comment: The study set was not selected for affection status in relation to any cancer. Pathogenicity categories were based on literature curation. See Pubmed ID:23861362 for details.

Medical sequencing

NM_004281.4(BAG3):c.646G>T (p.Val216Phe)

Gene: BAG3 (BAG cochaperone 3; plus strand). Cytogenetic location: 10q26.11.
Variant type: single nucleotide variant.
Coding change: c.646G>T on transcript NM_004281.4 (MANE Select); coding-DNA position 646, G replaced by T.
Protein change: p.Val216Phe; replaces valine 216 with phenylalanine.
Molecular consequence: missense variant.
Genome position (GRCh38, 1-based): chr10:119,672,393, G>T. VCF-style: chr10-119672393-G-T. GRCh37 (hg19) VCF-style: chr10-121431905-G-T.
Other names: short protein forms V216F.
Identifiers: ClinVar variation 191609 (VCV000191609.1), dbSNP rs148282376, ClinGen allele CA237052.